The following is an entry in ClinVar:

ClinVar aggregate classification (germline): Uncertain significance. Review status: criteria provided, multiple submitters, no conflicts (2 of 4 stars). 2 submissions from 2 submitters: Uncertain significance (2). Last evaluated 2022-04-11.

Conditions:
Hypertrophic cardiomyopathy 14. Identifiers: MedGen C2750467, MONDO:0013197, OMIM 613251.

Submissions (2):

GeneDx
Classification: Uncertain significance. Last evaluated: 2022-04-11. Review status: criteria provided, single submitter. Criteria: GeneDx Variant Classification Process June 2021. Collection method: clinical testing. Allele origin: germline. Affected: yes.
Comment: Has not been previously published as pathogenic or benign to our knowledge; Not observed at significant frequency in large population cohorts (gnomAD); In silico analysis supports that this missense variant has a deleterious effect on protein structure/function

Labcorp Genetics (formerly Invitae), Labcorp
Classification: Uncertain significance for Familial hypertrophic cardiomyopathy 14. Last evaluated: 2018-12-11. Review status: criteria provided, single submitter. Criteria: Invitae Variant Classification Sherloc (09022015). Collection method: clinical testing. Allele origin: germline.
Comment: This sequence change replaces tyrosine with serine at codon 1349 of the MYH6 protein (p.Tyr1349Ser). The tyrosine residue is weakly conserved and there is a large physicochemical difference between tyrosine and serine. This variant is not present in population databases (ExAC no frequency). This variant has not been reported in the literature in individuals with MYH6-related conditions. Algorithms developed to predict the effect of missense changes on protein structure and function are either unavailable or do not agree on the potential impact of this missense change (SIFT: "Deleterious"; PolyPhen-2: "Probably Damaging"; Align-GVGD: "Class C0"). In summary, the available evidence is currently insufficient to determine the role of this variant in disease. Therefore, it has been classified as a Variant of Uncertain Significance.

NM_002471.4(MYH6):c.4046A>C (p.Tyr1349Ser)

Gene: MYH6 (myosin heavy chain 6; minus strand). Cytogenetic location: 14q11.2.
Variant type: single nucleotide variant.
Coding change: c.4046A>C on transcript NM_002471.4 (MANE Select); coding-DNA position 4046, A replaced by C.
Protein change: p.Tyr1349Ser; replaces tyrosine 1349 with serine.
Molecular consequence: missense variant.
Genome position (GRCh38, 1-based): chr14:23,388,988, T>G on the plus strand (A>C on the coding strand, the complement: MYH6 is on the minus strand). VCF-style: chr14-23388988-T-G. GRCh37 (hg19) VCF-style: chr14-23858197-T-G.
Other names: short protein forms Y1349S.
Identifiers: ClinVar variation 656467 (VCV000656467.3), dbSNP rs1595052310, ClinGen allele CA389002099.